The following is an entry in ClinVar:

ClinVar aggregate classification (germline): Conflicting classifications of pathogenicity. Review status: criteria provided, conflicting classifications (1 of 4 stars). 3 submissions from 3 submitters: Uncertain significance (2); Benign (1). Last evaluated 2024-11-08.

Allele frequency attached by ClinVar (database versions not stated): ExAC 0.00014; ESP Exome Variant Server 0.00046.
gnomAD v4.1: 109 of 1,614,114 alleles (0.0068%); highest among the groups gnomAD compares: African/African-American, 0.12%; no homozygotes.

Submissions (3):

Blueprint Genetics
Classification: Benign. Last evaluated: 2024-11-08. Review status: criteria provided, single submitter. Criteria: ACMG Guidelines, 2015. Collection method: clinical testing. Allele origin: germline.

Labcorp Genetics (formerly Invitae), Labcorp
Classification: Uncertain significance. Last evaluated: 2022-08-01. Review status: criteria provided, single submitter. Criteria: Invitae Variant Classification Sherloc (09022015). Collection method: clinical testing. Allele origin: germline.
Comment: In summary, the available evidence is currently insufficient to determine the role of this variant in disease. Therefore, it has been classified as a Variant of Uncertain Significance. Algorithms developed to predict the effect of missense changes on protein structure and function output the following: SIFT: "Tolerated"; PolyPhen-2: "Benign"; Align-GVGD: "Class C0". The tryptophan amino acid residue is found in multiple mammalian species, which suggests that this missense change does not adversely affect protein function. This variant has not been reported in the literature in individuals affected with KIAA0556-related conditions. This variant is present in population databases (rs147973877, gnomAD 0.1%). This sequence change replaces arginine, which is basic and polar, with tryptophan, which is neutral and slightly polar, at codon 574 of the KIAA0556 protein (p.Arg574Trp).

Ambry Genetics
Classification: Uncertain significance. Last evaluated: 2021-01-27. Review status: criteria provided, single submitter. Criteria: Ambry Variant Classification Scheme 2023. Collection method: clinical testing. Allele origin: germline.
Comment: The c.1720C>T (p.R574W) alteration is located in exon 14 (coding exon 14) of the KIAA0556 gene. This alteration results from a C to T substitution at nucleotide position 1720, causing the arginine (R) at amino acid position 574 to be replaced by a tryptophan (W). The p.R574W alteration is predicted to be tolerated by in silico analysis. Based on insufficient or conflicting evidence, the clinical significance of this alteration remains unclear.

NM_015202.5(KATNIP):c.1720C>T (p.Arg574Trp)

Gene: KATNIP (katanin interacting protein; plus strand). Cytogenetic location: 16p12.1.
Variant type: single nucleotide variant.
Coding change: c.1720C>T on transcript NM_015202.5 (MANE Select); coding-DNA position 1720, C replaced by T.
Protein change: p.Arg574Trp; replaces arginine 574 with tryptophan.
Molecular consequence: missense variant.
Genome position (GRCh38, 1-based): chr16:27,721,672, C>T. VCF-style: chr16-27721672-C-T. GRCh37 (hg19) VCF-style: chr16-27732993-C-T.
Other names: c.1720C>T (NM_015202.2); short protein forms R574W.
Identifiers: ClinVar variation 2064561 (VCV002064561.5), dbSNP rs147973877, ClinGen allele CA7977789.